The following is an entry in ClinVar:

ClinVar aggregate classification (germline): Uncertain significance. Review status: criteria provided, multiple submitters, no conflicts (2 of 4 stars). 2 submissions from 2 submitters: Uncertain significance (2). Last evaluated 2025-08-09.

Conditions:
Cardiovascular phenotype. Identifiers: MedGen CN230736.
Brugada syndrome. Also called: Sudden unexpected nocturnal death syndrome; Sudden Unexplained Death Syndrome; Sudden Unexplained Nocturnal Death Syndrome (SUNDS); Sudden unexplained nocturnal death syndrome. Identifiers: Orphanet 130, MedGen C1142166, MONDO:0015263.

Allele frequency attached by ClinVar (database versions not stated): gnomAD exomes below 0.00001; ExAC 0.00001; gnomAD 0.00001; TOPMed 0.00001; ESP Exome Variant Server 0.00008.
gnomAD v4.1: 7 of 1,614,084 alleles (0.00043%); highest among the groups gnomAD compares: African/African-American, 0.0093%; no homozygotes.

Submissions (2):

Ambry Genetics
Classification: Uncertain significance for Cardiovascular phenotype. Last evaluated: 2025-08-09. Review status: criteria provided, single submitter. Criteria: Ambry Variant Classification Scheme 2023. Collection method: clinical testing. Allele origin: germline.
Comment: The p.S1232I variant (also known as c.3695G>T), located in coding exon 21 of the SCN10A gene, results from a G to T substitution at nucleotide position 3695. The serine at codon 1232 is replaced by isoleucine, an amino acid with dissimilar properties. This amino acid position is conserved. In addition, this alteration is predicted to be deleterious by in silico analysis. Based on the available evidence, the clinical significance of this variant remains unclear.

Labcorp Genetics (formerly Invitae), Labcorp
Classification: Uncertain significance for Brugada syndrome. Last evaluated: 2022-02-05. Review status: criteria provided, single submitter. Criteria: Invitae Variant Classification Sherloc (09022015). Collection method: clinical testing. Allele origin: germline.
Comment: Algorithms developed to predict the effect of missense changes on protein structure and function are either unavailable or do not agree on the potential impact of this missense change (SIFT: "Deleterious"; PolyPhen-2: "Possibly Damaging"; Align-GVGD: "Class C0"). This variant has not been reported in the literature in individuals affected with SCN10A-related conditions. This variant is present in population databases (rs373750985, gnomAD 0.007%). This sequence change replaces serine, which is neutral and polar, with isoleucine, which is neutral and non-polar, at codon 1232 of the SCN10A protein (p.Ser1232Ile). In summary, the available evidence is currently insufficient to determine the role of this variant in disease. Therefore, it has been classified as a Variant of Uncertain Significance.

NM_006514.4(SCN10A):c.3695G>T (p.Ser1232Ile)

Gene: SCN10A (sodium voltage-gated channel alpha subunit 10; minus strand). Cytogenetic location: 3p22.2.
Variant type: single nucleotide variant.
Coding change: c.3695G>T on transcript NM_006514.4 (MANE Select); coding-DNA position 3695, G replaced by T.
Protein change: p.Ser1232Ile; replaces serine 1232 with isoleucine.
Molecular consequence: missense variant.
Genome position (GRCh38, 1-based): chr3:38,714,067, C>A on the plus strand (G>T on the coding strand, the complement: SCN10A is on the minus strand). VCF-style: chr3-38714067-C-A. GRCh37 (hg19) VCF-style: chr3-38755558-C-A.
Other names: c.3695G>T (NM_006514.2); c.3692G>T, p.Ser1231Ile (NM_001293306.2); c.3401G>T, p.Ser1134Ile (NM_001293307.2); short protein forms S1134I, S1232I, S1231I.
Identifiers: ClinVar variation 1515202 (VCV001515202.9), dbSNP rs373750985, ClinGen allele CA2320147.
Genomic context (GRCh38, chr3:38,714,067, plus strand): 5'-AGGGTTCGAAGGGCTTTGATGGGAGCCACTTCAGAATATTCCAGAATCTTCGCTGTGAGA[C>A]TTATCAGTGAGATCTGAGTGCAGGAGAGGGCAGAAACATCACTCTAGGTTTCCAGAAAGG-3'
Protein context (NP_006505.4, residues 1222-1242): DFLIVNISLI[Ser1232Ile]LTAKILEYSE